The following is an entry in ClinVar:

ClinVar aggregate classification (germline): Conflicting classifications of pathogenicity. Review status: criteria provided, conflicting classifications (1 of 4 stars). 7 submissions from 7 submitters: Uncertain significance (6); Benign (1). Last evaluated 2025-11-05.

Conditions:
Hereditary cancer-predisposing syndrome. Also called: Tumor predisposition; Neoplastic Syndromes, Hereditary; Hereditary Cancer Syndrome; Hereditary neoplastic syndrome. Identifiers: Orphanet 140162, MedGen C0027672, MeSH D009386, MONDO:0015356.
Tuberous sclerosis syndrome (TSC). Also called: Tuberous Sclerosis Complex; Tuberous sclerosis. Identifiers: Orphanet 805, MedGen C0041341, MONDO:0001734.
Tuberous sclerosis 2 (TSC2). Identifiers: Orphanet 805, MedGen C1860707, MONDO:0013199, OMIM 613254.

Allele frequency attached by ClinVar (database versions not stated): gnomAD exomes below 0.00001; TOPMed 0.00001.

Submissions (7):

Labcorp Genetics (formerly Invitae), Labcorp
Classification: Benign for Tuberous sclerosis 2. Last evaluated: 2025-11-05. Review status: criteria provided, single submitter. Criteria: Invitae Variant Classification Sherloc (09022015). Collection method: clinical testing. Allele origin: germline.

Color Diagnostics, LLC DBA Color Health
Classification: Uncertain significance for Tuberous sclerosis syndrome. Last evaluated: 2024-03-21. Review status: criteria provided, single submitter. Criteria: ACMG Guidelines, 2015. Collection method: clinical testing. Allele origin: germline.
Comment: This missense variant replaces arginine with histidine at codon 1470 of the TSC2 protein. Computational prediction is inconclusive regarding the impact of this variant on protein structure and function. To our knowledge, functional studies have not been reported for this variant. This variant has not been reported in individuals affected with TSC2-related disorders in the literature. This variant has been identified in 1/237940 chromosomes in the general population by the Genome Aggregation Database (gnomAD). The available evidence is insufficient to determine the role of this variant in disease conclusively. Therefore, this variant is classified as a Variant of Uncertain Significance.

Ambry Genetics
Classification: Uncertain significance for Hereditary cancer-predisposing syndrome. Last evaluated: 2023-12-07. Review status: criteria provided, single submitter. Criteria: Ambry Variant Classification Scheme 2023. Collection method: clinical testing. Allele origin: germline.
Comment: The p.R1470H variant (also known as c.4409G>A), located in coding exon 33 of the TSC2 gene, results from a G to A substitution at nucleotide position 4409. The arginine at codon 1470 is replaced by histidine, an amino acid with highly similar properties. This amino acid position is conserved. In addition, this alteration is predicted to be deleterious by in silico analysis. Since supporting evidence is limited at this time, the clinical significance of this alteration remains unclear.

All of Us Research Program, National Institutes of Health
Classification: Uncertain significance for Tuberous sclerosis syndrome. Last evaluated: 2023-08-15. Review status: criteria provided, single submitter. Criteria: ACMG Guidelines, 2015. Collection method: clinical testing. Allele origin: germline. Inheritance: Autosomal dominant inheritance. Observed: 1 variant allele, 1 heterozygote.
Comment: This study involves interpretation of variants in research participants for the purpose of population health screening. Participant phenotype was not available at the time of variant classification. Additional details can be found in publication PMID: 35346344, PMCID: PMC8962531

Genome-Nilou Lab
Classification: Uncertain significance for Tuberous sclerosis 2. Last evaluated: 2021-11-07. Review status: criteria provided, single submitter. Criteria: ACMG Guidelines, 2015. Collection method: clinical testing. Allele origin: germline. Affected: no.

Institute for Clinical Genetics, University Hospital TU Dresden, University Hospital TU Dresden
Classification: Uncertain significance. Last evaluated: 2021-11-03. Review status: criteria provided, single submitter. Criteria: ACMG Guidelines, 2015. Collection method: clinical testing. Allele origin: germline.

Sema4
Classification: Uncertain significance for Hereditary cancer-predisposing syndrome. Last evaluated: 2021-07-07. Review status: criteria provided, single submitter. Criteria: Sema4 Curation Guidelines. Collection method: curation. Allele origin: germline.
Comment: The TSC2 c.4409G>A (p.R1470H) variant has not been reported in the literature to our knowledge. It was observed in 1/110578 chromosomes of the Non-Finnish European subpopulation in the large and broad cohorts of the Genome Aggregation Database (PMID: 32461654). The variant has been reported in ClinVar (Variation ID 406115). In silico tools suggest the impact of the variant on protein function is inconclusive, though these predictions have not been confirmed by functional studies. The evidence is insufficient to meet ACMG/AMP criteria for classifying the variant as benign or pathogenic. Thus, the clinical significance of this variant is currently uncertain.

NM_000548.5(TSC2):c.4409G>A (p.Arg1470His)

Gene: TSC2 (TSC complex subunit 2; plus strand). Cytogenetic location: 16p13.3.
Variant type: single nucleotide variant.
Coding change: c.4409G>A on transcript NM_000548.5 (MANE Select); coding-DNA position 4409, G replaced by A.
Protein change: p.Arg1470His; replaces arginine 1470 with histidine.
Molecular consequence: missense variant.
Genome position (GRCh38, 1-based): chr16:2,084,631, G>A. VCF-style: chr16-2084631-G-A. GRCh37 (hg19) VCF-style: chr16-2134632-G-A.
Other names: c.4208G>A, p.Arg1403His (NM_001077183.3); c.4340G>A, p.Arg1447His (NM_001114382.3); c.4100G>A, p.Arg1367His (NM_001318827.2); c.4064G>A, p.Arg1355His (NM_001318829.2); c.3677G>A, p.Arg1226His (NM_001318831.2); c.4241G>A, p.Arg1414His (NM_001318832.2); c.4211G>A, p.Arg1404His (NM_001363528.2); c.4277G>A, p.Arg1426His (NM_001370404.1); and 1 more; short protein forms R1470H, R1367H, R1404H, R1414H, R1447H, R1426H, R1427H, R1226H.
Identifiers: ClinVar variation 406115 (VCV000406115.17), dbSNP rs1060500969, ClinGen allele CA16614762.